The following is an entry in ClinVar:

NM_016203.4(PRKAG2):c.684+1G>A

Gene: PRKAG2 (protein kinase AMP-activated non-catalytic subunit gamma 2; minus strand). Cytogenetic location: 7q36.1.
Variant type: single nucleotide variant.
Coding change: c.684+1G>A on transcript NM_016203.4 (MANE Select); the canonical splice donor site of the intron after coding-DNA position 684, G replaced by A.
Molecular consequence: splice donor variant. On other transcripts: intron variant (5).
Genome position (GRCh38, 1-based): chr7:151,675,419, C>T on the plus strand (G>A on the coding strand, the complement: PRKAG2 is on the minus strand). VCF-style: chr7-151675419-C-T. GRCh37 (hg19) VCF-style: chr7-151372505-C-T.
Other names: c.684+1G>A (NM_016203.3, NM_001407023.1, NM_001407022.1 and 1 more transcripts); c.467-79968G>A (NM_001407031.1); c.467-79965G>A (NM_001407030.1); c.366+1G>A (NM_001407032.1); c.552+1G>A (NM_001407026.1, NM_001040633.2, NM_001407027.1 and 1 more transcripts); c.361-43281G>A (NM_001407033.1); c.94+60481G>A (NM_001407037.1); c.13-43281G>A (NM_001407038.1); and 1 more.
Identifiers: ClinVar variation 923590 (VCV000923590.10), dbSNP rs1457532924, ClinGen allele CA370186596.

ClinVar aggregate classification (germline): Uncertain significance. Review status: criteria provided, multiple submitters, no conflicts (2 of 4 stars). 5 submissions from 5 submitters: Uncertain significance (5). Last evaluated 2025-11-12.

Conditions:
Cardiovascular phenotype. Identifiers: MedGen CN230736.
Cardiomyopathy (CMYO). Also called: Cardiomyopathies. Identifiers: Orphanet 167848, MedGen C0878544, MONDO:0004994, HP:0001638. Inheritance: Various modes of inheritance.
Lethal congenital glycogen storage disease of heart. Also called: GLYCOGEN STORAGE DISEASE OF HEART; PHOSPHORYLASE KINASE DEFICIENCY OF HEART. Identifiers: Orphanet 439854, MedGen C1849813, MONDO:0009867, OMIM 261740.
Hypertrophic cardiomyopathy. Also called: HYPERTROPHIC MYOCARDIOPATHY. Identifiers: Orphanet 217569, MedGen C0007194, MeSH D002312, MONDO:0005045, HP:0001639.

Allele frequency attached by ClinVar (database versions not stated): TOPMed 0.00001.
gnomAD v4.1: 6 of 1,613,654 alleles (0.00037%); highest among the groups gnomAD compares: Non-Finnish European, 0.00051%; no homozygotes.

Submissions (5):

Labcorp Genetics (formerly Invitae), Labcorp
Classification: Uncertain significance for Lethal congenital glycogen storage disease of heart. Last evaluated: 2025-11-12. Review status: criteria provided, single submitter. Criteria: Invitae Variant Classification Sherloc (09022015). Collection method: clinical testing. Allele origin: germline.
Comment: This sequence change affects a donor splice site in intron 4 of the PRKAG2 gene. It is expected to disrupt RNA splicing. Variants that disrupt the donor or acceptor splice site typically lead to a loss of protein function (PMID: 16199547), however the current clinical and genetic evidence is not sufficient to establish whether loss-of-function variants in PRKAG2 cause disease. This variant is not present in population databases (gnomAD no frequency). This variant has not been reported in the literature in individuals affected with PRKAG2-related conditions. ClinVar contains an entry for this variant (Variation ID: 923590). Algorithms developed to predict the effect of sequence changes on RNA splicing suggest that this variant may disrupt the consensus splice site. In summary, the available evidence is currently insufficient to determine the role of this variant in disease. Therefore, it has been classified as a Variant of Uncertain Significance.

All of Us Research Program, National Institutes of Health
Classification: Uncertain significance for Hypertrophic cardiomyopathy. Last evaluated: 2024-04-16. Review status: criteria provided, single submitter. Criteria: ACMG Guidelines, 2015. Collection method: clinical testing. Allele origin: germline. Inheritance: Autosomal dominant inheritance. Observed: 1 variant allele, 1 heterozygote.
Comment: This variant causes a G>A nucleotide substitution at the +1 position of intron 4 of the PRKAG2 gene. Splice site prediction tools predict that this variant may have a significant impact on RNA splicing. To our knowledge, RNA studies have not been performed for this variant. This variant has not been reported in individuals affected with PRKAG2-related disorders in the literature. This variant has not been identified in the general population by the Genome Aggregation Database (gnomAD). Clinical significance of loss-of-function truncation and splice variants in the PRKAG2 gene is not clearly established. The available evidence is insufficient to determine the role of this variant in disease conclusively. Therefore, this variant is classified as a Variant of Uncertain Significance.

This study involves interpretation of variants in research participants for the purpose of population health screening. Participant phenotype was not available at the time of variant classification. Additional details can be found in publication PMID: 35346344, PMCID: PMC8962531

Color Diagnostics, LLC DBA Color Health
Classification: Uncertain significance for Cardiomyopathy. Last evaluated: 2024-03-29. Review status: criteria provided, single submitter. Criteria: ACMG Guidelines, 2015. Collection method: clinical testing. Allele origin: germline.
Comment: This variant causes a G>A nucleotide substitution at the +1 position of intron 4 of the PRKAG2 gene. Splice site prediction tools predict that this variant may have a significant impact on RNA splicing. To our knowledge, RNA studies have not been performed for this variant. This variant has not been reported in individuals affected with PRKAG2-related disorders in the literature. This variant has not been identified in the general population by the Genome Aggregation Database (gnomAD). Clinical significance of loss-of-function truncation and splice variants in the PRKAG2 gene is not clearly established. The available evidence is insufficient to determine the role of this variant in disease conclusively. Therefore, this variant is classified as a Variant of Uncertain Significance.

Ambry Genetics
Classification: Uncertain significance for Cardiovascular phenotype. Last evaluated: 2022-09-06. Review status: criteria provided, single submitter. Criteria: Ambry Variant Classification Scheme 2023. Collection method: clinical testing. Allele origin: germline.
Comment: The c.684+1G>A intronic variant results from a G to A substitution one nucleotide after coding exon 4 of the PRKAG2 gene. Alterations that disrupt the canonical splice site are expected to cause aberrant splicing, resulting in an abnormal protein or a transcript that is subject to nonsense-mediated mRNA decay. However, loss of function of PRKAG2 has not been established as a mechanism of disease. Since supporting evidence is limited at this time, the clinical significance of this alteration remains unclear.

Clinical Genetics Laboratory, Skane University Hospital Lund
Classification: Uncertain significance. Last evaluated: 2022-07-05. Review status: criteria provided, single submitter. Criteria: ACMG Guidelines, 2015. Collection method: clinical testing. Allele origin: germline. Affected: yes.

Literature cited by the submitters: PubMed 16199547 (cited by Labcorp Genetics (formerly Invitae), Labcorp).